The following is an entry in ClinVar:

NM_144997.7(FLCN):c.45C>T (p.Gly15=)

Gene: FLCN (folliculin; minus strand). Cytogenetic location: 17p11.2.
Variant type: single nucleotide variant.
Coding change: c.45C>T on transcript NM_144997.7 (MANE Select); coding-DNA position 45, C replaced by T.
Protein change: p.Gly15=; no amino-acid change (glycine 15 retained).
Molecular consequence: synonymous variant.
Genome position (GRCh38, 1-based): chr17:17,228,093, G>A on the plus strand (C>T on the coding strand, the complement: FLCN is on the minus strand). VCF-style: chr17-17228093-G-A. GRCh37 (hg19) VCF-style: chr17-17131407-G-A.
Other names: c.45C>T, p.Gly15= (NM_001353229.2, NM_001353230.2, NM_001353231.2 and 1 more transcripts).
Identifiers: ClinVar variation 1137981 (VCV001137981.10), dbSNP rs773349151, ClinGen allele CA8416534.

ClinVar aggregate classification (germline): Benign/Likely benign. Review status: criteria provided, multiple submitters, no conflicts (2 of 4 stars). 3 submissions from 3 submitters: Benign (1); Likely benign (2). Last evaluated 2025-10-18.

Conditions:
Birt-Hogg-Dube syndrome. Also called: Birt Hogg Dubé syndrome. Identifiers: Orphanet 122, MedGen C0346010, MONDO:0800444.
Birt-Hogg-Dube syndrome 1 (BHD1). Also called: FIBROFOLLICULOMAS WITH TRICHODISCOMAS AND ACROCHORDONS. Identifiers: Orphanet 122, MedGen CN375946, MONDO:0800445, OMIM 135150.
Hereditary cancer-predisposing syndrome. Also called: Neoplastic Syndromes, Hereditary; Hereditary neoplastic syndrome; Tumor predisposition; Hereditary Cancer Syndrome. Identifiers: Orphanet 140162, MedGen C0027672, MeSH D009386, MONDO:0015356.

Allele frequency attached by ClinVar (database versions not stated): gnomAD exomes below 0.00001; ExAC 0.00001; gnomAD 0.00001; TOPMed 0.00001.
gnomAD v4.1: 7 of 1,613,370 alleles (0.00043%); highest among the groups gnomAD compares: South Asian, 0.0055%; no homozygotes.

Submissions (3):

Labcorp Genetics (formerly Invitae), Labcorp
Classification: Likely benign for Birt-Hogg-Dube syndrome. Last evaluated: 2025-10-18. Review status: criteria provided, single submitter. Criteria: Invitae Variant Classification Sherloc (09022015). Collection method: clinical testing. Allele origin: germline.

Myriad Genetics, Inc.
Classification: Benign for Birt-Hogg-Dube syndrome 1. Last evaluated: 2024-10-22. Review status: criteria provided, single submitter. Criteria: Myriad Autosomal Dominant, Autosomal Recessive and X-Linked Classification Criteria (2023). Collection method: clinical testing. Allele origin: unknown.
Comment: This variant is considered benign. This variant is a silent/synonymous amino acid change and it is not expected to impact splicing.

Ambry Genetics
Classification: Likely benign for Hereditary cancer-predisposing syndrome. Last evaluated: 2022-02-14. Review status: criteria provided, single submitter. Criteria: Ambry Variant Classification Scheme 2023. Collection method: clinical testing. Allele origin: germline.